The following is an entry in ClinVar:

NM_002435.3(MPI):c.753del (p.Phe252fs)

Gene: MPI (mannose phosphate isomerase; plus strand). Cytogenetic location: 15q24.1.
Variant type: Deletion.
Coding change: c.753del on transcript NM_002435.3 (MANE Select); coding-DNA position 753, one base deleted (C; older notation c.753delC).
Protein change: p.Phe252fs; shifts the reading frame from phenylalanine 252.
Molecular consequence: frameshift variant.
Genome position (GRCh38, 1-based): chr15:74,896,234, C deleted. VCF-style (leftmost placement, unchanged base first): chr15-74896233-GC-G. GRCh37 (hg19) VCF-style: chr15-75188574-GC-G.
Other names: c.753del, p.Phe252fs (NM_001289155.2); c.603del, p.Phe202fs (NM_001289156.2); c.570del, p.Phe191fs (NM_001289157.2); c.693del, p.Phe232fs (NM_001330372.2); short protein forms F191fs, F232fs, F202fs, F252fs.
Identifiers: ClinVar variation 1370035 (VCV001370035.6), dbSNP rs2141206722, ClinGen allele CA2573151157.

ClinVar aggregate classification (germline): Pathogenic (1 of 4 stars; one submission).

Conditions:
MPI-congenital disorder of glycosylation. Also called: MPI DEFICIENCY; MANNOSEPHOSPHATE ISOMERASE DEFICIENCY; CONGENITAL DISORDER OF GLYCOSYLATION, TYPE Ib; MPI-CDG; PROTEIN-LOSING ENTEROPATHY-HEPATIC FIBROSIS SYNDROME; CDG Ib. Identifiers: Orphanet 79319, MedGen C1865145, MONDO:0011257, OMIM 602579.

Submission:

Labcorp Genetics (formerly Invitae), Labcorp
Classification: Pathogenic for MPI-congenital disorder of glycosylation. Last evaluated: 2021-06-02. Review status: criteria provided, single submitter. Criteria: Invitae Variant Classification Sherloc (09022015). Collection method: clinical testing. Allele origin: germline.
Comment: This variant is not present in population databases (ExAC no frequency). This sequence change creates a premature translational stop signal (p.Phe252Leufs*6) in the MPI gene. It is expected to result in an absent or disrupted protein product. Loss-of-function variants in MPI are known to be pathogenic (PMID: 19862844). This variant has not been reported in the literature in individuals with MPI-related conditions. For these reasons, this variant has been classified as Pathogenic.

Literature cited by the submitters: PubMed 19862844.